The following is an entry in ClinVar:

ClinVar aggregate classification (germline): Uncertain significance. Review status: criteria provided, multiple submitters, no conflicts (2 of 4 stars). 3 submissions from 3 submitters: Uncertain significance (3). Last evaluated 2025-01-06.

Conditions:
Hereditary cancer-predisposing syndrome. Also called: Neoplastic Syndromes, Hereditary; Hereditary Cancer Syndrome; Tumor predisposition; Hereditary neoplastic syndrome. Identifiers: Orphanet 140162, MedGen C0027672, MeSH D009386, MONDO:0015356.
Familial cancer of breast. Also called: hereditary breast carcinoma; BREAST CANCER, FAMILIAL; Hereditary breast cancer. Identifiers: Orphanet 227535, MedGen C0346153, MONDO:0016419, OMIM 114480. Disease mechanism: loss of function.

Allele frequency attached by ClinVar (database versions not stated): TOPMed below 0.00001; gnomAD 0.00001.
gnomAD v4.1: 1 of 1,613,978 alleles (0.000062%); highest among the groups gnomAD compares: South Asian, 0.0011%; no homozygotes.

Submissions (3):

Labcorp Genetics (formerly Invitae), Labcorp
Classification: Uncertain significance for Familial cancer of breast. Last evaluated: 2025-01-06. Review status: criteria provided, single submitter. Criteria: Invitae Variant Classification Sherloc (09022015). Collection method: clinical testing. Allele origin: germline.
Comment: This sequence change replaces proline, which is neutral and non-polar, with threonine, which is neutral and polar, at codon 747 of the BARD1 protein (p.Pro747Thr). This variant is not present in population databases (gnomAD no frequency). This variant has not been reported in the literature in individuals affected with BARD1-related conditions. ClinVar contains an entry for this variant (Variation ID: 1476766). An algorithm developed to predict the effect of missense changes on protein structure and function (PolyPhen-2) suggests that this variant is likely to be disruptive. In summary, the available evidence is currently insufficient to determine the role of this variant in disease. Therefore, it has been classified as a Variant of Uncertain Significance.

Color Diagnostics, LLC DBA Color Health
Classification: Uncertain significance for Hereditary cancer-predisposing syndrome. Last evaluated: 2024-03-06. Review status: criteria provided, single submitter. Criteria: ACMG Guidelines, 2015. Collection method: clinical testing. Allele origin: germline.
Comment: This missense variant replaces proline with threonine at codon 747 of the BARD1 protein. Computational prediction suggests that this variant may not impact protein structure and function (internally defined REVEL score threshold <= 0.5, PMID: 27666373). To our knowledge, functional studies have not been reported for this variant. This variant has not been reported in individuals affected with hereditary cancer in the literature. This variant has not been identified in the general population by the Genome Aggregation Database (gnomAD). The available evidence is insufficient to determine the role of this variant in disease conclusively. Therefore, this variant is classified as a Variant of Uncertain Significance.

Ambry Genetics
Classification: Uncertain significance for Hereditary cancer-predisposing syndrome. Last evaluated: 2020-03-10. Review status: criteria provided, single submitter. Criteria: Ambry Variant Classification Scheme 2023. Collection method: clinical testing. Allele origin: germline.
Comment: The p.P747T variant (also known as c.2239C>A), located in coding exon 11 of the BARD1 gene, results from a C to A substitution at nucleotide position 2239. The proline at codon 747 is replaced by threonine, an amino acid with highly similar properties. This amino acid position is highly conserved in available vertebrate species. In addition, this alteration is predicted to be tolerated by in silico analysis. Since supporting evidence is limited at this time, the clinical significance of this alteration remains unclear.

NM_000465.4(BARD1):c.2239C>A (p.Pro747Thr)

Gene: BARD1 (BRCA1 associated RING domain 1; minus strand). Cytogenetic location: 2q35.
Variant type: single nucleotide variant.
Coding change: c.2239C>A on transcript NM_000465.4 (MANE Select); coding-DNA position 2239, C replaced by A.
Protein change: p.Pro747Thr; replaces proline 747 with threonine.
Molecular consequence: missense variant. On other transcripts: non-coding transcript variant (3).
Genome position (GRCh38, 1-based): chr2:214,728,771, G>T on the plus strand (C>A on the coding strand, the complement: BARD1 is on the minus strand). VCF-style: chr2-214728771-G-T. GRCh37 (hg19) VCF-style: chr2-215593495-G-T.
Other names: c.2182C>A, p.Pro728Thr (NM_001282543.2); c.886C>A, p.Pro296Thr (NM_001282545.2); c.829C>A, p.Pro277Thr (NM_001282548.2); c.700C>A, p.Pro234Thr (NM_001282549.2); short protein forms P277T, P234T, P296T, P747T, P728T.
Identifiers: ClinVar variation 1476766 (VCV001476766.11), dbSNP rs1574702322, ClinGen allele CA350450033.